The following is an entry in ClinVar:

NM_020320.5(RARS2):c.1387del (p.Leu463fs)

Gene: RARS2 (arginyl-tRNA synthetase 2, mitochondrial; minus strand). Cytogenetic location: 6q15.
Variant type: Deletion.
Coding change: c.1387del on transcript NM_020320.5 (MANE Select); coding-DNA position 1387, one base deleted (C; older notation c.1387delC).
Protein change: p.Leu463fs; shifts the reading frame from leucine 463.
Molecular consequence: frameshift variant. On other transcripts: non-coding transcript variant (23).
Genome position (GRCh38, 1-based): chr6:87,518,658, G deleted on the plus strand (C on the coding strand, the reverse complement: RARS2 is on the minus strand); the first of 2 consecutive G bases (chr6:87,518,658-87,518,659); deleting either gives the same sequence. VCF-style (leftmost placement, unchanged base first): chr6-87518657-AG-A. GRCh37 (hg19) VCF-style: chr6-88228375-AG-A.
Other names: c.862del, p.Leu288fs (NM_001350508.2, NM_001350509.2, NM_001350510.2 and 4 more transcripts); c.1387del, p.Leu463fs (NM_001350505.2); short protein forms L288fs, L463fs.
Identifiers: ClinVar variation 641349 (VCV000641349.8), dbSNP rs1582264160, ClinGen allele CA915944364.

ClinVar aggregate classification (germline): Pathogenic (1 of 4 stars; one submission).

Submission:

Labcorp Genetics (formerly Invitae), Labcorp
Classification: Pathogenic. Last evaluated: 2020-03-28. Review status: criteria provided, single submitter. Criteria: Invitae Variant Classification Sherloc (09022015). Collection method: clinical testing. Allele origin: germline.
Comment: For these reasons, this variant has been classified as Pathogenic. Loss-of-function variants in RARS2 are known to be pathogenic (PMID: 17847012, 22569581, 26083569). This variant has not been reported in the literature in individuals with RARS2-related disease. This variant is not present in population databases (ExAC no frequency). This sequence change creates a premature translational stop signal (p.Leu463Tyrfs*20) in the RARS2 gene. It is expected to result in an absent or disrupted protein product.

Literature cited by the submitters: PubMed 17847012; PubMed 22569581; PubMed 26083569.